The following is an entry in ClinVar:

NM_173076.3(ABCA12):c.5469_5472del

Gene: ABCA12 (ATP binding cassette subfamily A member 12; minus strand). Cytogenetic location: 2q35.
Variant type: Deletion.
Coding change: c.5469_5472del on transcript NM_173076.3 (MANE Select); coding-DNA positions 5469 to 5472, 4 bases deleted (ACAG; older notation c.5469_5472delACAG).
Molecular consequence: splice acceptor variant.
Genome position (GRCh38, 1-based): chr2:214,974,039-214,974,042, CTGT deleted on the plus strand (ACAG on the coding strand, the reverse complement: ABCA12 is on the minus strand); deleting any 4 consecutive bases within chr2:214,974,039-214,974,045 gives the same sequence; the c. name uses the placement nearest the transcript's 3' end. VCF-style (leftmost placement, unchanged base first): chr2-214974038-ACTGT-A. GRCh37 (hg19) VCF-style: chr2-215838762-ACTGT-A.
Identifiers: ClinVar variation 2505564 (VCV002505564.1), ClinGen allele CA2580616685.

ClinVar aggregate classification (germline): Pathogenic (1 of 4 stars; one submission).

Conditions:
Autosomal recessive congenital ichthyosis 4A (LI2). Also called: ICHTHYOSIS CONGENITA IIB. Identifiers: Orphanet 313, MedGen C1832550, MONDO:0011026, OMIM 601277.

Submission:

Dr. med. U. Finckh, Human Genetics, Eurofins MVZ
Classification: Pathogenic for Autosomal recessive congenital ichthyosis 4A. Review status: criteria provided, single submitter. Criteria: ACMG Guidelines, 2015. Collection method: clinical testing. Allele origin: maternal. Affected: yes.